The following is an entry in ClinVar:

NM_001365276.2(TNXB):c.510dup (p.Thr171fs)

Gene: TNXB (tenascin XB; minus strand). Cytogenetic location: 6p21.33.
Variant type: Duplication.
Coding change: c.510dup on transcript NM_001365276.2 (MANE Select); coding-DNA position 510, one base duplicated (C; older notation c.510dupC).
Protein change: p.Thr171fs; shifts the reading frame from threonine 171.
Molecular consequence: frameshift variant.
Genome position (GRCh38, 1-based): chr6:32,097,343, G duplicated on the plus strand (C on the coding strand, the reverse complement: TNXB is on the minus strand); the first of 4 consecutive G bases (chr6:32,097,343-32,097,346); duplicating any one gives the same sequence. VCF-style (leftmost placement, unchanged base first): chr6-32097342-T-TG. GRCh37 (hg19) VCF-style: chr6-32065119-T-TG.
Other names: c.510dupC (NM_019105.8); c.510dup, p.Thr171fs (NM_001428335.1, NM_019105.8); short protein forms T171fs.
Identifiers: ClinVar variation 3338902 (VCV003338902.2).

ClinVar aggregate classification (germline): Pathogenic. Review status: criteria provided, multiple submitters, no conflicts (2 of 4 stars). 2 submissions from 2 submitters: Pathogenic (2). Last evaluated 2026-01-22.

Conditions:
Ehlers-Danlos syndrome due to tenascin-X deficiency (EDSCLL1). Also called: EHLERS-DANLOS SYNDROME, CLASSIC-LIKE; Ehlers-Danlos syndrome, classic-like, 1; EDS DUE TO TNX DEFICIENCY; TNX DEFICIENCY; TNXB-Related Classical-Like Ehlers-Danlos Syndrome. Identifiers: Orphanet 230839, MedGen C1848029, MONDO:0011670, OMIM 606408.

Submissions (2):

Myriad Genetics, Inc.
Classification: Pathogenic for Ehlers-Danlos syndrome due to tenascin-X deficiency. Last evaluated: 2026-01-22. Review status: criteria provided, single submitter. Criteria: Myriad Autosomal Dominant, Autosomal Recessive and X-Linked Classification Criteria (2023). Collection method: clinical testing. Allele origin: unknown.
Comment: NM_019105.6(TNXB):c.510dupC(T171Hfs*4) is a frameshift variant classified as pathogenic in the context of classical-like Ehlers-Danlos syndrome, TNXB-related. T171Hfs*4 has not been observed in cases with relevant disease. Relevant functional assessments of this variant are not available in the literature. T171Hfs*4 has not been observed in referenced population frequency databases. In summary, NM_019105.6(TNXB):c.510dupC(T171Hfs*4) is a frameshift variant in a gene where loss of function is a known mechanism of disease and is predicted to disrupt protein function. Please note: this variant was assessed in the context of healthy population screening.

Women's Health and Genetics/Laboratory Corporation of America, LabCorp
Classification: Pathogenic for Ehlers-Danlos syndrome due to tenascin-X deficiency. Last evaluated: 2024-07-12. Review status: criteria provided, single submitter. Criteria: LabCorp Variant Classification Summary - May 2015. Collection method: clinical testing. Allele origin: germline.
Comment: Variant summary: TNXB c.510dupC (p.Thr171HisfsX4) results in a premature termination codon, predicted to cause a truncation of the encoded protein or absence of the protein due to nonsense mediated decay, which are commonly known mechanisms for disease. The variant was absent in 247810 control chromosomes. To our knowledge, no occurrence of c.510dupC in individuals affected with Ehlers-Danlos-like syndrome and no experimental evidence demonstrating its impact on protein function have been reported. No submitters have cited clinical-significance assessments for this variant to ClinVar. Based on the evidence outlined above, the variant was classified as pathogenic.